The following is an entry in ClinVar:

ClinVar aggregate classification (germline): Uncertain significance (1 of 4 stars; one submission).

Submission:

Labcorp Genetics (formerly Invitae), Labcorp
Classification: Uncertain significance. Last evaluated: 2025-01-28. Review status: criteria provided, single submitter. Criteria: Invitae Variant Classification Sherloc (09022015). Collection method: clinical testing. Allele origin: germline.
Comment: This sequence change replaces arginine, which is basic and polar, with proline, which is neutral and non-polar, at codon 242 of the ANKZF1 protein (p.Arg242Pro). This variant is not present in population databases (gnomAD no frequency). This variant has not been reported in the literature in individuals affected with ANKZF1-related conditions. An algorithm developed to predict the effect of missense changes on protein structure and function (PolyPhen-2) suggests that this variant is likely to be disruptive. In summary, the available evidence is currently insufficient to determine the role of this variant in disease. Therefore, it has been classified as a Variant of Uncertain Significance.

NM_018089.3(ANKZF1):c.725G>C (p.Arg242Pro)

Gene: ANKZF1 (ankyrin repeat and zinc finger peptidyl tRNA hydrolase 1; plus strand). Cytogenetic location: 2q35.
Variant type: single nucleotide variant.
Coding change: c.725G>C on transcript NM_018089.3 (MANE Select); coding-DNA position 725, G replaced by C.
Protein change: p.Arg242Pro; replaces arginine 242 with proline.
Molecular consequence: missense variant.
Genome position (GRCh38, 1-based): chr2:219,233,339, G>C. VCF-style: chr2-219233339-G-C. GRCh37 (hg19) VCF-style: chr2-220098061-G-C.
Other names: c.725G>C, p.Arg242Pro (NM_001042410.2); c.95G>C, p.Arg32Pro (NM_001282792.2); short protein forms R32P, R242P.
Identifiers: ClinVar variation 3682308 (VCV003682308.2).
Genomic context (GRCh38, chr2:219,233,339, plus strand): 5'-TCTACAGAAGAGAAGTGGTGACACACAAAACTTTTCACCGCTATACGGTTCGGGCCAAGC[G>C]GGGCACAGCCCAGGGGCTTCGGGATGCCCGAGGTGGGCCATCACACTCTGCTGGAGCCAA-3'
Protein context (NP_060559.2, residues 232-252): TFHRYTVRAK[Arg242Pro]GTAQGLRDAR